The following is an entry in ClinVar:

NM_002234.4(KCNA5):c.1281G>T (p.Leu427Phe)

Gene: KCNA5 (potassium voltage-gated channel subfamily A member 5; plus strand). Cytogenetic location: 12p13.32.
Variant type: single nucleotide variant.
Coding change: c.1281G>T on transcript NM_002234.4 (MANE Select); coding-DNA position 1281, G replaced by T.
Protein change: p.Leu427Phe; replaces leucine 427 with phenylalanine.
Molecular consequence: missense variant.
Genome position (GRCh38, 1-based): chr12:5,045,428, G>T. VCF-style: chr12-5045428-G-T. GRCh37 (hg19) VCF-style: chr12-5154594-G-T.
Other names: short protein forms L427F.
Identifiers: ClinVar variation 3287495 (VCV003287495.3).

ClinVar aggregate classification (germline): Uncertain significance. Review status: criteria provided, multiple submitters, no conflicts (2 of 4 stars). 3 submissions from 3 submitters: Uncertain significance (3). Last evaluated 2025-03-25.

Conditions:
Inborn genetic diseases. Identifiers: MedGen C0950123, MeSH D030342.
Atrial fibrillation, familial, 7 (ATFB7). Identifiers: MedGen C2677106, MONDO:0012828, OMIM 612240.

Submissions (3):

Labcorp Genetics (formerly Invitae), Labcorp
Classification: Uncertain significance for Atrial fibrillation, familial, 7. Last evaluated: 2025-03-25. Review status: criteria provided, single submitter. Criteria: Invitae Variant Classification Sherloc (09022015). Collection method: clinical testing. Allele origin: germline.
Comment: This sequence change replaces leucine, which is neutral and non-polar, with phenylalanine, which is neutral and non-polar, at codon 427 of the KCNA5 protein (p.Leu427Phe). This variant is present in population databases (rs375737581, gnomAD 0.02%). This variant has not been reported in the literature in individuals affected with KCNA5-related conditions. ClinVar contains an entry for this variant (Variation ID: 3287495). Invitae Evidence Modeling of protein sequence and biophysical properties (such as structural, functional, and spatial information, amino acid conservation, physicochemical variation, residue mobility, and thermodynamic stability) indicates that this missense variant is not expected to disrupt KCNA5 protein function with a negative predictive value of 80%. In summary, the available evidence is currently insufficient to determine the role of this variant in disease. Therefore, it has been classified as a Variant of Uncertain Significance.

GeneDx
Classification: Uncertain significance. Last evaluated: 2024-08-06. Review status: criteria provided, single submitter. Criteria: GeneDx Variant Classification Process June 2021. Collection method: clinical testing. Allele origin: germline. Affected: yes.
Comment: Not observed at significant frequency in large population cohorts (gnomAD); In silico analysis supports that this missense variant has a deleterious effect on protein structure/function; Has not been previously published as pathogenic or benign to our knowledge

Ambry Genetics
Classification: Uncertain significance for Inborn genetic diseases. Last evaluated: 2024-05-13. Review status: criteria provided, single submitter. Criteria: Ambry Variant Classification Scheme 2023. Collection method: clinical testing. Allele origin: germline.